The following is an entry in ClinVar:

ClinVar aggregate classification (germline): Pathogenic (1 of 4 stars; one submission).

Submission:

GeneDx
Classification: Pathogenic. Last evaluated: 2024-11-04. Review status: criteria provided, single submitter. Criteria: GeneDx Variant Classification Process June 2021. Collection method: clinical testing. Allele origin: germline. Affected: yes.
Comment: Frameshift variant predicted to result in protein truncation or nonsense mediated decay in a gene for which loss of function is a known mechanism of disease; Not observed at significant frequency in large population cohorts (gnomAD); Also known as p.(L248Ffs*32); Has not been previously published as pathogenic or benign to our knowledge

NM_003722.5(TP63):c.858_859delinsCTTCCTG (p.Leu287fs)

Gene: TP63 (tumor protein p63; plus strand). Cytogenetic location: 3q28.
Variant type: Indel.
Coding change: c.858_859delinsCTTCCTG on transcript NM_003722.5 (MANE Select); coding-DNA positions 858 to 859, GC replaced by CTTCCTG.
Protein change: p.Leu287fs; shifts the reading frame from leucine 287.
Molecular consequence: frameshift variant.
Genome position (GRCh38, 1-based): chr3:189,866,773-189,866,774, GC replaced by CTTCCTG. VCF-style: chr3-189866773-GC-CTTCCTG. GRCh37 (hg19) VCF-style: chr3-189584562-GC-CTTCCTG.
Other names: c.858_859delinsCTTCCTG, p.Leu287fs (NM_001114978.2, NM_001114979.2, NM_001329144.2 and 1 more transcripts); c.576_577delinsCTTCCTG, p.Leu193fs (NM_001114980.2, NM_001114981.2, NM_001114982.2 and 2 more transcripts); c.321_322delinsCTTCCTG, p.Leu108fs (NM_001329146.2, NM_001329150.2); c.852_853delinsCTTCCTG, p.Leu285fs (NM_001329964.2); short protein forms L108fs, L193fs, L285fs, L287fs.
Identifiers: ClinVar variation 3897228 (VCV003897228.1).
Genomic context (GRCh38, chr3:189,866,773, plus strand): 5'-AGTAGAGGGGAACAGCCATGCCCAGTATGTAGAAGATCCCATCACAGGAAGACAGAGTGT[GC>CTTCCTG]TGGTACCTTATGAGCCACCCCAGGTAAAAAGCAAAAAACCAAACCAAAAAACAACACCTC-3'